The following is an entry in ClinVar:

NM_004329.3(BMPR1A):c.889A>T (p.Lys297Ter)

Gene: BMPR1A (bone morphogenetic protein receptor type 1A; plus strand). Cytogenetic location: 10q23.2.
Variant type: single nucleotide variant.
Coding change: c.889A>T on transcript NM_004329.3 (MANE Select); coding-DNA position 889, A replaced by T.
Protein change: p.Lys297Ter; replaces lysine 297 with a stop codon.
Molecular consequence: nonsense. On other transcripts: non-coding transcript variant (3).
Genome position (GRCh38, 1-based): chr10:86,919,192, A>T. VCF-style: chr10-86919192-A-T. GRCh37 (hg19) VCF-style: chr10-88678949-A-T.
Other names: c.964A>T, p.Lys322Ter (NM_001406559.1); c.937A>T, p.Lys313Ter (NM_001406560.1); c.889A>T, p.Lys297Ter (NM_001406561.1, NM_001406562.1, NM_001406563.1 and 19 more transcripts); c.883A>T, p.Lys295Ter (NM_001406583.1); c.805A>T, p.Lys269Ter (NM_001406584.1, NM_001406585.1, NM_001406586.1 and 2 more transcripts); c.547A>T, p.Lys183Ter (NM_001406589.1); short protein forms K183*, K269*, K297*, K313*, K295*, K322*.
Identifiers: ClinVar variation 2565024 (VCV002565024.5), dbSNP rs1589291527, ClinGen allele CA377459849.

ClinVar aggregate classification (germline): Pathogenic. Review status: criteria provided, multiple submitters, no conflicts (2 of 4 stars). 2 submissions from 2 submitters: Pathogenic (2). Last evaluated 2023-05-15.

Conditions:
Hereditary cancer-predisposing syndrome. Also called: Neoplastic Syndromes, Hereditary; Hereditary Cancer Syndrome; Tumor predisposition; Hereditary neoplastic syndrome. Identifiers: Orphanet 140162, MedGen C0027672, MeSH D009386, MONDO:0015356.
Juvenile polyposis syndrome (JPS). Identifiers: Orphanet 2929, MedGen C0345893, MONDO:0017380, OMIM 174900.

Submissions (2):

Ambry Genetics
Classification: Pathogenic for Hereditary cancer-predisposing syndrome. Last evaluated: 2023-05-15. Review status: criteria provided, single submitter. Criteria: Ambry Variant Classification Scheme 2023. Collection method: clinical testing. Allele origin: germline.
Comment: The p.K297* pathogenic mutation (also known as c.889A>T), located in coding exon 8 of the BMPR1A gene, results from an A to T substitution at nucleotide position 889. This changes the amino acid from a lysine to a stop codon within coding exon 8. This alteration has been observed in at least one individual with a personal and/or family history that is consistent with BMPR1A-related disease (Ambry internal data). This variant is considered to be rare based on population cohorts in the Genome Aggregation Database (gnomAD). This alteration is expected to result in loss of function by premature protein truncation or nonsense-mediated mRNA decay. As such, this alteration is interpreted as a disease-causing mutation.

Labcorp Genetics (formerly Invitae), Labcorp
Classification: Pathogenic for Juvenile polyposis syndrome. Last evaluated: 2023-04-04. Review status: criteria provided, single submitter. Criteria: Invitae Variant Classification Sherloc (09022015). Collection method: clinical testing. Allele origin: germline.
Comment: For these reasons, this variant has been classified as Pathogenic. This variant has not been reported in the literature in individuals affected with BMPR1A-related conditions. This variant is not present in population databases (gnomAD no frequency). This sequence change creates a premature translational stop signal (p.Lys297*) in the BMPR1A gene. It is expected to result in an absent or disrupted protein product. Loss-of-function variants in BMPR1A are known to be pathogenic (PMID: 11536076, 12417513).

Literature cited by the submitters: PubMed 11536076 (cited by Labcorp Genetics (formerly Invitae), Labcorp); PubMed 12417513 (cited by Labcorp Genetics (formerly Invitae), Labcorp).